The following is an entry in ClinVar:

NM_000540.3(RYR1):c.5458C>T (p.Arg1820Cys)

Gene: RYR1 (ryanodine receptor 1; plus strand). Cytogenetic location: 19q13.2.
Variant type: single nucleotide variant.
Coding change: c.5458C>T on transcript NM_000540.3 (MANE Select); coding-DNA position 5458, C replaced by T.
Protein change: p.Arg1820Cys; replaces arginine 1820 with cysteine.
Molecular consequence: missense variant.
Genome position (GRCh38, 1-based): chr19:38,486,113, C>T. VCF-style: chr19-38486113-C-T. GRCh37 (hg19) VCF-style: chr19-38976753-C-T.
Other names: c.5458C>T, p.Arg1820Cys (NM_001042723.2); short protein forms R1820C.
Identifiers: ClinVar variation 2435623 (VCV002435623.5), dbSNP rs767062679, ClinGen allele CA067103.

ClinVar aggregate classification (germline): Uncertain significance. Review status: criteria provided, multiple submitters, no conflicts (2 of 4 stars). 2 submissions from 2 submitters: Uncertain significance (2). Last evaluated 2024-05-14.

Conditions:
Malignant hyperthermia, susceptibility to, 1 (MHS1). Also called: Anesthesia related hyperthermia; Malignant hyperpyrexia; Fulminating hyperpyrexia; Pharmacogenic myopathy; Malignant hyperthermia suceptibility 1; RYR1-Related Malignant Hyperthermia Susceptibility. Identifiers: Orphanet 423, MedGen C2930980, MONDO:0007783, OMIM 145600.

Allele frequency attached by ClinVar (database versions not stated): gnomAD 0.00001; ExAC 0.00003.
gnomAD v4.1: 9 of 1,612,778 alleles (0.00056%); highest among the groups gnomAD compares: South Asian, 0.0077%; no homozygotes.

Submissions (2):

All of Us Research Program, National Institutes of Health
Classification: Uncertain significance for Malignant hyperthermia, susceptibility to, 1. Last evaluated: 2024-05-14. Review status: criteria provided, single submitter. Criteria: ACMG Guidelines, 2015. Collection method: clinical testing. Allele origin: germline. Inheritance: Autosomal dominant inheritance. Observed: 5 variant alleles, 5 heterozygotes.
Comment: This missense variant replaces arginine with cysteine at codon 1820 of the RYR1 protein. Computational prediction suggests that this variant may not impact protein structure and function (internally defined REVEL score threshold <= 0.5, PMID: 27666373). To our knowledge, functional studies have not been reported for this variant. This variant has not been reported in individuals affected with RYR1-related disorders in the literature. This variant has been identified in 4/239698 chromosomes in the general population by the Genome Aggregation Database (gnomAD). The available evidence is insufficient to determine the role of this variant in disease conclusively. Therefore, this variant is classified as a Variant of Uncertain Significance.

This study involves interpretation of variants in research participants for the purpose of population health screening. Participant phenotype was not available at the time of variant classification. Additional details can be found in publication PMID: 35346344, PMCID: PMC8962531

Revvity Omics, Revvity
Classification: Uncertain significance. Last evaluated: 2021-08-09. Review status: criteria provided, single submitter. Criteria: ACMG Guidelines, 2015. Collection method: clinical testing. Allele origin: germline.